The following is an entry in ClinVar:

ClinVar aggregate classification (germline): Pathogenic. Review status: criteria provided, single submitter (1 of 4 stars). 3 submissions from 3 submitters: Pathogenic (1). 2 of the submissions do not count toward it. Last evaluated 2024-12-16.

Conditions:
Charcot-Marie-Tooth disease. Also called: Charcot-Marie-Tooth Hereditary Neuropathy; Charcot-Marie-Tooth Neuropathy. Identifiers: Orphanet 166, MedGen C0007959, MONDO:0015626.
Charcot-Marie-Tooth disease X-linked dominant 1. Also called: HEREDITARY MOTOR AND SENSORY NEUROPATHY, X-LINKED; HMSN, X-LINKED; X-linked Charcot-Marie-Tooth disease type 1; GJB1 Disorders: Charcot-Marie-Tooth Neuropathy (CMT1X) and Central Nervous System Phenotypes; CHARCOT-MARIE-TOOTH NEUROPATHY, X-LINKED, 1; CHARCOT-MARIE-TOOTH PERONEAL MUSCULAR ATROPHY, X-LINKED. Identifiers: Orphanet 101075, MedGen C0393808, MONDO:0010549, OMIM 302800.

Submissions (3):

GeneDx
Classification: Pathogenic. Last evaluated: 2024-12-16. Review status: criteria provided, single submitter. Criteria: GeneDx Variant Classification Process June 2021. Collection method: clinical testing. Allele origin: germline. Affected: yes.
Comment: Published functional studies demonstrate an increase in functional hemichannels and reduced protein expression (PMID: 11891346); Not observed at significant frequency in large population cohorts (gnomAD); Missense variants in this gene are a common cause of disease and they are underrepresented in the general population; In silico analysis supports that this missense variant has a deleterious effect on protein structure/function; This variant is associated with the following publications: (PMID: 9099841, 11325342, 11891346)

OMIM
Classification: Pathogenic for CHARCOT-MARIE-TOOTH DISEASE, X-LINKED DOMINANT, 1. Last evaluated: 2002-03-19. Review status: no assertion criteria provided. Collection method: literature only. Allele origin: germline. Not counted in ClinVar's aggregate classification.

Inherited Neuropathy Consortium
Classification: Uncertain significance for Charcot-Marie-Tooth disease. Review status: no assertion criteria provided. Collection method: literature only. Allele origin: germline. Affected: yes. Not counted in ClinVar's aggregate classification.

Literature cited by the submitters: PubMed 9099841 (cited by OMIM and Inherited Neuropathy Consortium); PubMed 11891346 (cited by OMIM).

NM_000166.6(GJB1):c.254C>G (p.Ser85Cys)

Gene: GJB1 (gap junction protein beta 1; plus strand). Cytogenetic location: Xq13.1.
Variant type: single nucleotide variant.
Coding change: c.254C>G on transcript NM_000166.6 (MANE Select); coding-DNA position 254, C replaced by G.
Protein change: p.Ser85Cys; replaces serine 85 with cysteine.
Molecular consequence: missense variant.
Genome position (GRCh38, 1-based): chrX:71,223,961, C>G. VCF-style: chrX-71223961-C-G. GRCh37 (hg19) VCF-style: chrX-70443811-C-G.
Other names: c.254C>G, p.Ser85Cys (NM_001097642.3); short protein forms S85C.
Identifiers: ClinVar variation 10444 (VCV000010444.3), dbSNP rs104894823, ClinGen allele CA255257.